The following is an entry in ClinVar:

NM_021224.6(ZNF462):c.4779_4780insC (p.Ile1594fs)

Gene: ZNF462 (zinc finger protein 462; plus strand). Cytogenetic location: 9q31.2.
Variant type: Insertion.
Coding change: c.4779_4780insC on transcript NM_021224.6 (MANE Select); coding-DNA positions 4779 to 4780, C inserted.
Protein change: p.Ile1594fs; shifts the reading frame from isoleucine 1594.
Molecular consequence: frameshift variant. On other transcripts: intron variant (1).
Genome position: GRCh38 VCF-style: chr9-106928691-A-AC. GRCh37 (hg19) VCF-style: chr9-109690972-A-AC.
Other names: c.3252+1527_3252+1528insC (NM_001347997.2); short protein forms I1594fs.
Identifiers: ClinVar variation 4279003 (VCV004279003.1).

ClinVar aggregate classification (germline): Pathogenic (1 of 4 stars; one submission).

Conditions:
Weiss-Kruszka syndrome. Also called: Metopic ridging-ptosis-facial dysmorphism syndrome. Identifiers: Orphanet 502430, MedGen C5568107, MONDO:0032836, OMIM 618619.

Submission:

Institute of Human Genetics, University of Leipzig Medical Center
Classification: Pathogenic for Weiss-Kruszka syndrome. Last evaluated: 2025-08-25. Review status: criteria provided, single submitter. Criteria: ACMG Guidelines, 2015. Collection method: clinical testing. Allele origin: unknown. Inheritance: Autosomal dominant inheritance. Affected: yes.
Comment: Criteria applied: PVS1,PM2